The following is an entry in ClinVar:

NM_001282933.2(ZNF341):c.468_469dup (p.Gln157fs)

Gene: ZNF341 (zinc finger protein 341; plus strand). Cytogenetic location: 20q11.22.
Variant type: Duplication.
Coding change: c.468_469dup on transcript NM_001282933.2 (MANE Select); coding-DNA positions 468 to 469, 2 bases duplicated (CC; older notation c.468_469dupCC).
Protein change: p.Gln157fs; shifts the reading frame from glutamine 157.
Molecular consequence: frameshift variant. On other transcripts: non-coding transcript variant (1).
Genome position (GRCh38, 1-based): chr20:33,749,051-33,749,052, CC duplicated; duplicating any 2 consecutive bases within chr20:33,749,049-33,749,052 gives the same sequence; the c. name uses the placement nearest the transcript's 3' end. VCF-style (leftmost placement, unchanged base first): chr20-33749048-G-GCC. GRCh37 (hg19) VCF-style: chr20-32336854-G-GCC.
Other names: c.198_199dup, p.Gln67fs (NM_001282935.2); c.468_469dup, p.Gln157fs (NM_032819.5); short protein forms Q157fs, Q67fs.
Identifiers: ClinVar variation 2076625 (VCV002076625.4), dbSNP rs2515458116, ClinGen allele CA2580098090.

ClinVar aggregate classification (germline): Pathogenic (1 of 4 stars; one submission).

Submission:

Labcorp Genetics (formerly Invitae), Labcorp
Classification: Pathogenic. Last evaluated: 2022-01-06. Review status: criteria provided, single submitter. Criteria: Invitae Variant Classification Sherloc (09022015). Collection method: clinical testing. Allele origin: germline.
Comment: For these reasons, this variant has been classified as Pathogenic. This variant has not been reported in the literature in individuals affected with ZNF341-related conditions. This variant is not present in population databases (gnomAD no frequency). This sequence change creates a premature translational stop signal (p.Gln157Profs*11) in the ZNF341 gene. It is expected to result in an absent or disrupted protein product. Loss-of-function variants in ZNF341 are known to be pathogenic (PMID: 29907690, 29907691).

Literature cited by the submitters: PubMed 29907690; PubMed 29907691.